The following is an entry in ClinVar:

ClinVar aggregate classification (germline): Uncertain significance (1 of 4 stars; one submission).

Submission:

Labcorp Genetics (formerly Invitae), Labcorp
Classification: Uncertain significance. Last evaluated: 2022-07-27. Review status: criteria provided, single submitter. Criteria: Invitae Variant Classification Sherloc (09022015). Collection method: clinical testing. Allele origin: germline.
Comment: In summary, the available evidence is currently insufficient to determine the role of this variant in disease. Therefore, it has been classified as a Variant of Uncertain Significance. Algorithms developed to predict the effect of missense changes on protein structure and function are either unavailable or do not agree on the potential impact of this missense change (SIFT: "Not Available"; PolyPhen-2: "Probably Damaging"; Align-GVGD: "Not Available"). This variant has not been reported in the literature in individuals affected with SBF1-related conditions. Information on the frequency of this variant in the gnomAD database is not available, as this variant may be reported differently in the database. This sequence change replaces phenylalanine, which is neutral and non-polar, with alanine, which is neutral and non-polar, at codon 1859 of the SBF1 protein (p.Phe1859Ala).

NM_002972.4(SBF1):c.5575_5576delinsGC (p.Phe1859Ala)

Gene: SBF1 (SET binding factor 1; minus strand). Cytogenetic location: 22q13.33.
Variant type: Indel.
Coding change: c.5575_5576delinsGC on transcript NM_002972.4 (MANE Select); coding-DNA positions 5575 to 5576, TT replaced by GC.
Protein change: p.Phe1859Ala; replaces phenylalanine 1859 with alanine.
Molecular consequence: missense variant.
Genome position (GRCh38, 1-based): chr22:50,447,329-50,447,330, AA replaced by GC on the plus strand (TT replaced by GC on the coding strand, the reverse complement: SBF1 is on the minus strand). VCF-style: chr22-50447329-AA-GC. GRCh37 (hg19) VCF-style: chr22-50885758-AA-GC.
Other names: c.5500_5501delinsGC, p.Phe1834Ala (NM_001365819.1); c.5578_5579delTTinsGC, p.Phe1860Ala (NM_001410794.1); c.5497_5498delTTinsGC, p.Phe1833Ala (NM_001410795.1); c.5575_5576delTTinsGC, p.Phe1859Ala (NM_197971.1); short protein forms F1859A, F1834A, F1860A, F1833A.
Identifiers: ClinVar variation 1938772 (VCV001938772.4), dbSNP rs2521722420, ClinGen allele CA2580100103.
Genomic context (GRCh38, chr22:50,447,329, plus strand): 5'-AGCCCCCACACCGCAGAGCCCCTCCCCTCTCCCAAGCCCCGGCCAAGGCTCACGTCAAAG[AA>GC]GGCCTTCTCGTCCACAGTCTTAGGGGCACCCATAGTGGGCGTGCCAGGTGCCACAGCCTC-3'
Protein context (NP_002963.2, residues 1849-1869): GAPKTVDEKA[Phe1859Ala]FDVKTTRRVY